The following is an entry in ClinVar:

ClinVar aggregate classification (germline): Uncertain significance (1 of 4 stars; one submission).

Submission:

GeneDx
Classification: Uncertain significance. Last evaluated: 2025-06-25. Review status: criteria provided, single submitter. Criteria: GeneDx Variant Classification Process June 2021. Collection method: clinical testing. Allele origin: germline. Affected: yes.
Comment: Not observed at significant frequency in large population cohorts (gnomAD); In silico analysis suggests that this missense variant does not alter protein structure/function; Has not been previously published as pathogenic or benign to our knowledge

NM_017780.4(CHD7):c.1913A>G (p.Gln638Arg)

Genes: CHD7 (chromodomain helicase DNA binding protein 7; plus strand), LOC126860403 (CDK7 strongly-dependent group 2 enhancer GRCh37_chr8:61693034-61694233; plus strand). Cytogenetic location: 8q12.2.
Variant type: single nucleotide variant.
Coding change: c.1913A>G on transcript NM_017780.4 (MANE Select); coding-DNA position 1913, A replaced by G.
Protein change: p.Gln638Arg; replaces glutamine 638 with arginine.
Molecular consequence: missense variant. On other transcripts: intron variant (1).
Genome position (GRCh38, 1-based): chr8:60,781,247, A>G. VCF-style: chr8-60781247-A-G. GRCh37 (hg19) VCF-style: chr8-61693806-A-G.
Other names: c.1716+197A>G (NM_001316690.1); short protein forms Q638R.
Identifiers: ClinVar variation 4539885 (VCV004539885.1).